The following is an entry in ClinVar:

ClinVar aggregate classification (germline): Benign. Review status: criteria provided, multiple submitters, no conflicts (2 of 4 stars). 3 submissions from 3 submitters: Benign (3). Last evaluated 2019-08-13.

Conditions:
Charcot-Marie-Tooth disease type 2B (CMT2B). Also called: Charcot-Marie-Tooth Neuropathy Type 2B; CHARCOT-MARIE-TOOTH DISEASE, AXONAL, TYPE 2B; CHARCOT-MARIE-TOOTH DISEASE, AUTOSOMAL DOMINANT, TYPE 2B; HEREDITARY MOTOR AND SENSORY NEUROPATHY IIB. Identifiers: Orphanet 99936, MedGen C1833219, MONDO:0010949, OMIM 600882.

Allele frequency attached by ClinVar (database versions not stated): gnomAD exomes 0.04599; 1000 Genomes Project 0.05152; TOPMed 0.05374; gnomAD 0.05425 and 0.05501.
gnomAD v4.1: 29,416 of 611,090 alleles (4.8%); highest among the groups gnomAD compares: Middle Eastern, 9.3%; 902 homozygotes.

Submissions (3):

GeneDx
Classification: Benign. Last evaluated: 2019-08-13. Review status: criteria provided, single submitter. Criteria: GeneDx Variant Classification Process June 2021. Collection method: clinical testing. Allele origin: germline. Affected: yes.

Illumina Laboratory Services, Illumina
Classification: Benign for Charcot-Marie-Tooth disease type 2B. Last evaluated: 2018-01-13. Review status: criteria provided, single submitter. Criteria: ICSL Variant Classification Criteria 13 December 2019. Collection method: clinical testing. Allele origin: germline.
Comment: This variant was observed in the ICSL laboratory as part of a predisposition screen in an ostensibly healthy population. It had not been previously curated by ICSL or reported in the Human Gene Mutation Database (HGMD: prior to June 1st, 2018), and was therefore a candidate for classification through an automated scoring system. Utilizing variant allele frequency, disease prevalence and penetrance estimates, and inheritance mode, an automated score was calculated to assess if this variant is too frequent to cause the disease. Based on the score and internal cut-off values, a variant classified as benign is not then subjected to further curation. The score for this variant resulted in a classification of benign for this disease.

Breakthrough Genomics
Classification: Benign. Review status: criteria provided, single submitter. Criteria: ACMG Guidelines, 2015. Collection method: not provided. Allele origin: germline. Inheritance: Autosomal dominant inheritance. Affected: yes.

NM_004637.6(RAB7A):c.*189A>G

Gene: RAB7A (RAB7A, member RAS oncogene family; plus strand). Cytogenetic location: 3q21.3.
Variant type: single nucleotide variant.
Coding change: c.*189A>G on transcript NM_004637.6 (MANE Select); 189 bases downstream of the stop codon, A replaced by G.
Molecular consequence: 3 prime UTR variant.
Genome position (GRCh38, 1-based): chr3:128,813,611, A>G. VCF-style: chr3-128813611-A-G. GRCh37 (hg19) VCF-style: chr3-128532454-A-G.
Identifiers: ClinVar variation 343167 (VCV000343167.7), dbSNP rs11549750, ClinGen allele CA10617252.
Genomic context (GRCh38, chr3:128,813,611, plus strand): 5'-ACCCCATCAAACACAGTTACACCCCACATATCTCTCACACACACACACACACGCACACAC[A>G]CACACACAGATCTGACGTAATCAAACTCCAGCCCTTGCCCGTGATGGCTCCTTGGGGTCT-3'